The following is an entry in ClinVar:

NM_181523.3(PIK3R1):c.1392_1403del (p.Asp464_Tyr467del)

Gene: PIK3R1 (phosphoinositide-3-kinase regulatory subunit 1; plus strand). Cytogenetic location: 5q13.1.
Variant type: Deletion.
Coding change: c.1392_1403del on transcript NM_181523.3 (MANE Select); coding-DNA positions 1392 to 1403, 12 bases deleted (TAGATTATATGA).
Protein change: p.Asp464_Tyr467del.
Molecular consequence: inframe deletion.
Genome position (GRCh38, 1-based): chr5:68,293,801-68,293,812, TAGATTATATGA deleted; deleting any 12 consecutive bases within chr5:68,293,795-68,293,812 gives the same sequence; the c. name uses the placement nearest the transcript's 3' end. VCF-style (leftmost placement, unchanged base first): chr5-68293794-AATATGATAGATT-A. GRCh37 (hg19) VCF-style: chr5-67589622-AATATGATAGATT-A.
Other names: c.303_314del, p.Asp101_Tyr104del (NM_001242466.2); c.582_593del, p.Asp194_Tyr197del (NM_181504.4); c.492_503del, p.Asp164_Tyr167del (NM_181524.2); c.1392_1403delTAGATTATATGA (NM_181523.3).
Identifiers: ClinVar variation 996074 (VCV000996074.7), dbSNP rs1747530144, ClinGen allele CA645556568.

ClinVar aggregate classification (germline): Likely pathogenic. Review status: criteria provided, single submitter (1 of 4 stars). 2 submissions from 2 submitters: Likely pathogenic (1). 1 of the submissions does not count toward it. Last evaluated 2023-09-08.
ClinVar aggregate classification (oncogenicity): Likely oncogenic (1 of 4 stars; one submission).

Conditions:
Vascular Malformations and Overgrowth.
Overgrowth syndrome. Identifiers: Orphanet 93460, MedGen C2986703, MONDO:0019716.
Neoplasm. Also called: Neoplasms; Neoplasm (disease); tumor. Identifiers: MedGen C0027651, MeSH D009369, MONDO:0005070, HP:0002664.

Submissions (3):

Center for Genomic Medicine, Rigshospitalet, Copenhagen University Hospital
Classification: Likely oncogenic for Neoplasm. Last evaluated: 2025-03-04. Review status: criteria provided, single submitter. Criteria: ClinGen/CGC/VICC Guidelines for Oncogenicity, 2022. Collection method: clinical testing. Allele origin: somatic. Affected: yes.

Clinical Genomics Laboratory, Washington University in St. Louis
Classification: Likely pathogenic for Overgrowth syndrome. Last evaluated: 2023-09-08. Review status: criteria provided, single submitter. Criteria: ACMG Guidelines, 2015. Collection method: clinical testing. Allele origin: somatic. Affected: yes.
Comment: The PIK3R1 c.1392_1403del (p.Asp464_Tyr467del) variant was identified at an allelic fraction consistent with somatic origin and it has been detected in one individual affected with Klippel Trenaunay syndrome (Cottrell CE et al., PMID: 34040190). This variant has been reported in the ClinVar database as likely pathogenic by a single submitter (ClinVar ID: 996074), and in eight cases in the cancer database COSMIC (Genomic Mutation ID: COSV57125838). This variant is absent from the general population (gnomAD v.3.1.2), indicating it is not a common variant. This variant resides within the p85α region (iSH2_PIK3R1), amino acids 414-622, of PIK3R1, which is defined as a critical functional domain (Cheung LW, Mills GB, PMID: 26807692). This variant is predicted to cause a change in the length of the protein due to an in-frame deletion of 3 among acids in a non-repeat region. Based on an internally-developed protocol informed by the ACMG/AMP guidelines (Richards S et al., PMID: 25741868) and gene-specific practices from the ClinGen Criteria Specification Registry, the PIK3R1 c.1392_1403del (p.Asp464_Tyr467del) variant is classified as likely pathogenic.

Institute for Genomic Medicine (IGM) Clinical Laboratory, Nationwide Children's Hospital
Classification: Likely pathogenic for Vascular Malformations and Overgrowth. Last evaluated: 2020-11-08. Review status: no assertion criteria provided. Collection method: research. Allele origin: somatic. Affected: yes. Not counted in ClinVar's aggregate classification.
Comment: This alteration is of apparent somatic mosaic etiology with moderate supporting evidence including no discernible strand bias, in a region absent of repetition and sequence homology, with clean, high-quality reads, having a variant allele fraction < 3% [PS2_Mod], is either well-represented in cancer as identified in the COSMIC database with >=20 documented instances or considered to occur in a statistically significant hotspot or region according to an online resource database [PM_CANCER], and is in a non-repetitive region and results in a protein length change predicted to result in an in-frame protein product [PM4].

Literature cited by the submitters: PubMed 20713702 (cited by Center for Genomic Medicine, Rigshospitalet, Copenhagen University Hospital).